The following is an entry in ClinVar:

ClinVar aggregate classification (germline): Uncertain significance (1 of 4 stars; one submission).

Conditions:
Senior-Loken syndrome 8 (SLSN8). Identifiers: Orphanet 3156, MedGen C4225376, MONDO:0014579, OMIM 616307.
Asphyxiating thoracic dystrophy 5 (SRTD5). Also called: SHORT-RIB THORACIC DYSPLASIA 5 WITH OR WITHOUT POLYDACTYLY; SHORT-RIB THORACIC DYSPLASIA 5 WITHOUT POLYDACTYLY. Identifiers: Orphanet 474, MedGen C3280598, MONDO:0013717, OMIM 614376.

Submission:

Labcorp Genetics (formerly Invitae), Labcorp
Classification: Uncertain significance for Senior-Loken syndrome 8; Asphyxiating thoracic dystrophy 5. Last evaluated: 2023-05-25. Review status: criteria provided, single submitter. Criteria: Invitae Variant Classification Sherloc (09022015). Collection method: clinical testing. Allele origin: germline.
Comment: In summary, the available evidence is currently insufficient to determine the role of this variant in disease. Therefore, it has been classified as a Variant of Uncertain Significance. Advanced modeling of protein sequence and biophysical properties (such as structural, functional, and spatial information, amino acid conservation, physicochemical variation, residue mobility, and thermodynamic stability) performed at Invitae indicates that this missense variant is not expected to disrupt WDR19 protein function. ClinVar contains an entry for this variant (Variation ID: 1443490). This variant has not been reported in the literature in individuals affected with WDR19-related conditions. This variant is not present in population databases (gnomAD no frequency). This sequence change replaces alanine, which is neutral and non-polar, with valine, which is neutral and non-polar, at codon 677 of the WDR19 protein (p.Ala677Val).

NM_025132.4(WDR19):c.2030C>T (p.Ala677Val)

Gene: WDR19 (WD repeat domain 19; plus strand). Cytogenetic location: 4p14.
Variant type: single nucleotide variant.
Coding change: c.2030C>T on transcript NM_025132.4 (MANE Select); coding-DNA position 2030, C replaced by T.
Protein change: p.Ala677Val; replaces alanine 677 with valine.
Molecular consequence: missense variant.
Genome position (GRCh38, 1-based): chr4:39,231,844, C>T. VCF-style: chr4-39231844-C-T. GRCh37 (hg19) VCF-style: chr4-39233464-C-T.
Other names: c.1550C>T, p.Ala517Val (NM_001317924.2); short protein forms A677V, A517V.
Identifiers: ClinVar variation 1443490 (VCV001443490.6), dbSNP rs2109366909, ClinGen allele CA356633676.